The following is an entry in ClinVar:

ClinVar aggregate classification (germline): Likely pathogenic. Review status: criteria provided, multiple submitters, no conflicts (2 of 4 stars). 3 submissions from 3 submitters: Likely pathogenic (2). 1 of the submissions does not count toward it. Last evaluated 2025-05-05.

Conditions:
UDPglucose-4-epimerase deficiency. Also called: Epimerase Deficiency Galactosemia; UDP-GALACTOSE-4-EPIMERASE DEFICIENCY; Galactose epimerase deficiency; UDPglucose 4-Epimerase Deficiency Disease; GALACTOSEMIA III; GALE DEFICIENCY. Identifiers: Orphanet 352, Orphanet 79238, MedGen C0751161, MONDO:0009257, OMIM 230350.
Thrombocytopenia 13, syndromic. Also called: THROMBOCYTOPENIA, AUTOSOMAL RECESSIVE, 13. Identifiers: MedGen C5935599, MONDO:0958333, OMIM 620776.

Allele frequency attached by ClinVar (database versions not stated): gnomAD exomes below 0.00001; ExAC 0.00001.

Submissions (3):

GeneDx
Classification: Likely pathogenic. Last evaluated: 2025-05-05. Review status: criteria provided, single submitter. Criteria: GeneDx Variant Classification Process June 2021. Collection method: clinical testing. Allele origin: germline. Affected: yes.
Comment: Published functional studies found this variant is associated with significantly reduced enzyme activity and expression (PMID: 9326324); Not observed at significant frequency in large population cohorts (gnomAD); In silico analysis supports that this missense variant has a deleterious effect on protein structure/function; This variant is associated with the following publications: (PMID: 23644136, 9326324, 9700591, 16302980)

Fulgent Genetics
Classification: Likely pathogenic for UDPglucose-4-epimerase deficiency; Thrombocytopenia 13, syndromic. Last evaluated: 2024-01-20. Review status: criteria provided, single submitter. Criteria: ACMG Guidelines, 2015. Collection method: clinical testing. Allele origin: germline.

OMIM
Classification: Pathogenic for GALACTOSEMIA III. Last evaluated: 1997-09-01. Review status: no assertion criteria provided. Collection method: literature only. Allele origin: germline. Not counted in ClinVar's aggregate classification.

Literature cited by the submitters: PubMed 9326324 (cited by OMIM).

NM_001008216.2(GALE):c.548T>C (p.Leu183Pro)

Gene: GALE (UDP-galactose-4-epimerase; minus strand). Cytogenetic location: 1p36.11.
Variant type: single nucleotide variant.
Coding change: c.548T>C on transcript NM_001008216.2 (MANE Select); coding-DNA position 548, T replaced by C.
Protein change: p.Leu183Pro; replaces leucine 183 with proline.
Molecular consequence: missense variant.
Genome position (GRCh38, 1-based): chr1:23,797,128, A>G on the plus strand (T>C on the coding strand, the complement: GALE is on the minus strand). VCF-style: chr1-23797128-A-G. GRCh37 (hg19) VCF-style: chr1-24123618-A-G.
Other names: c.548T>C, p.Leu183Pro (NM_000403.4, NM_001127621.2); short protein forms L183P.
Identifiers: ClinVar variation 3675 (VCV000003675.6), dbSNP rs121908045, ClinGen allele CA340110.